The following is an entry in ClinVar:

NM_002519.3(NPAT):c.526A>G (p.Asn176Asp)

Gene: NPAT (nuclear protein, coactivator of histone transcription; minus strand). Cytogenetic location: 11q22.3.
Variant type: single nucleotide variant.
Coding change: c.526A>G on transcript NM_002519.3 (MANE Select); coding-DNA position 526, A replaced by G.
Protein change: p.Asn176Asp; replaces asparagine 176 with aspartic acid.
Molecular consequence: missense variant.
Genome position (GRCh38, 1-based): chr11:108,189,136, T>C on the plus strand (A>G on the coding strand, the complement: NPAT is on the minus strand). VCF-style: chr11-108189136-T-C. GRCh37 (hg19) VCF-style: chr11-108059863-T-C.
Other names: c.526A>G, p.Asn176Asp (NM_001321307.1); short protein forms N176D.
Identifiers: ClinVar variation 2443192 (VCV002443192.6), dbSNP rs773653115, ClinGen allele CA6264277.

ClinVar aggregate classification (germline): Uncertain significance. Review status: criteria provided, multiple submitters, no conflicts (2 of 4 stars). 3 submissions from 3 submitters: Uncertain significance (2). 1 of the submissions does not count toward it. Last evaluated 2025-11-05.

Allele frequency attached by ClinVar (database versions not stated): TOPMed 0.00006; ExAC 0.00003; gnomAD 0.00004.
gnomAD v4.1: 201 of 1,614,024 alleles (0.012%); highest among the groups gnomAD compares: Non-Finnish European, 0.017%; no homozygotes.

Submissions (3):

Ambry Genetics
Classification: Uncertain significance. Last evaluated: 2025-11-05. Review status: criteria provided, single submitter. Criteria: Ambry Variant Classification Scheme 2023. Collection method: clinical testing. Allele origin: germline.

Labcorp Genetics (formerly Invitae), Labcorp
Classification: Uncertain significance. Last evaluated: 2025-06-14. Review status: criteria provided, single submitter. Criteria: Invitae Variant Classification Sherloc (09022015). Collection method: clinical testing. Allele origin: germline.
Comment: This sequence change replaces asparagine, which is neutral and polar, with aspartic acid, which is acidic and polar, at codon 176 of the NPAT protein (p.Asn176Asp). This variant is present in population databases (rs773653115, gnomAD 0.007%). This variant has not been reported in the literature in individuals affected with NPAT-related conditions. ClinVar contains an entry for this variant (Variation ID: 2443192). An algorithm developed to predict the effect of missense changes on protein structure and function (PolyPhen-2) suggests that this variant is likely to be tolerated. In summary, the available evidence is currently insufficient to determine the role of this variant in disease. Therefore, it has been classified as a Variant of Uncertain Significance.

Genetic Services Laboratory, University of Chicago
Classification: Uncertain significance. Last evaluated: 2022-11-29. Review status: no assertion criteria provided. Collection method: clinical testing. Allele origin: germline. Affected: no. Not counted in ClinVar's aggregate classification.
Comment: DNA sequence analysis of the NPAT gene demonstrated a sequence change, c.526A>G, in exon 6 that results in an amino acid change, p.Asn176Asp. This sequence change does not appear to have been previously described in individuals with NPAT-related disorders. This sequence change has been described in the gnomAD database with a frequency of 0.0036% in the overall population (dbSNP rs773653115). The p.Asn176Asp change affects a moderately conserved amino acid residue located in a domain of the NPAT protein that is not known to be functional. In-silico pathogenicity prediction tools (SIFT, PolyPhen2, Align GVGD, REVEL) provide contradictory results for the p.Asn176Asp substitution. Due to insufficient evidences and the lack of functional studies, the clinical significance of the p.Asn176Asp change remains unknown at this time.